The following is an entry in ClinVar:

NM_024649.5(BBS1):c.592-7_592-5del

Gene: BBS1 (Bardet-Biedl syndrome 1; plus strand). Cytogenetic location: 11q13.2.
Variant type: Deletion.
Coding change: c.592-7_592-5del on transcript NM_024649.5 (MANE Select); 7 bases into the intron before coding-DNA position 592 through 5 bases into the intron before coding-DNA position 592, 3 bases deleted (TCT; older notation c.592-7_592-5delTCT).
Molecular consequence: intron variant.
Genome position (GRCh38, 1-based): chr11:66,519,610-66,519,612, TCT deleted; deleting any 3 consecutive bases within chr11:66,519,608-66,519,612 gives the same sequence; the c. name uses the placement nearest the transcript's 3' end. VCF-style (leftmost placement, unchanged base first): chr11-66519607-CCTT-C. GRCh37 (hg19) VCF-style: chr11-66287078-CCTT-C.
Other names: c.592-7_592-5delTCT (NM_024649.4).
Identifiers: ClinVar variation 841538 (VCV000841538.10), dbSNP rs774944051, ClinGen allele CA6123429.
Genomic context (GRCh38, chr11:66,519,607, plus strand): 5'-TGGCATTCTGGGAGTATCTTGGGGGTGGTGTGTGGAGGTTCCCTGGGTGACCCCTGGAGT[CCTT>C]CTGTAGACAGTCATCACCACCATGACCACCTTGAAGAAGAACCTGGCTGACGAGGATGCT-3'

ClinVar aggregate classification (germline): Uncertain significance. Review status: criteria provided, multiple submitters, no conflicts (2 of 4 stars). 3 submissions from 3 submitters: Uncertain significance (2). 1 of the submissions does not count toward it. Last evaluated 2026-08-27.

Conditions:
Bardet-Biedl syndrome 1 (BBS1). Identifiers: MedGen C2936862, MONDO:0008854, OMIM 209900. Disease mechanism: loss of function.
BBS1-related disorder. Also called: BBS1-related condition.
Bardet-Biedl syndrome (BBS). Identifiers: Orphanet 110, MedGen C0752166, MONDO:0015229.

Submissions (3):

PreventionGenetics, part of Exact Sciences
Classification: Uncertain significance for BBS1-related condition. Last evaluated: 2026-08-27. Review status: criteria provided, single submitter. Criteria: ACMG Guidelines, 2015. Collection method: clinical testing. Allele origin: germline.
Comment: The BBS1 c.592-7_592-5delTCT variant is predicted to result in an intronic deletion. This variant is predicted to alter splicing based on available splicing prediction programs (SpliceAI, Jaganathan et al. 2019. PubMed ID: 30661751). However, the use of computer prediction programs is not equivalent to functional evidence. To our knowledge, this variant has not been reported in the literature. This variant is reported in 0.0062% of alleles in individuals of African descent in gnomAD. At this time, the clinical significance of this variant is uncertain due to the absence of conclusive functional and genetic evidence.

Labcorp Genetics (formerly Invitae), Labcorp
Classification: Uncertain significance for Bardet-Biedl syndrome. Last evaluated: 2024-02-17. Review status: criteria provided, single submitter. Criteria: Invitae Variant Classification Sherloc (09022015). Collection method: clinical testing. Allele origin: germline.
Comment: This sequence change falls in intron 7 of the BBS1 gene. It does not directly change the encoded amino acid sequence of the BBS1 protein. This variant is present in population databases (rs774944051, gnomAD 0.007%). This variant has not been reported in the literature in individuals affected with BBS1-related conditions. ClinVar contains an entry for this variant (Variation ID: 841538). Algorithms developed to predict the effect of sequence changes on RNA splicing suggest that this variant may disrupt the consensus splice site. In summary, the available evidence is currently insufficient to determine the role of this variant in disease. Therefore, it has been classified as a Variant of Uncertain Significance.

Natera, Inc.
Classification: Uncertain significance for Bardet-Biedl syndrome type 1. Last evaluated: 2020-11-19. Review status: no assertion criteria provided. Collection method: clinical testing. Allele origin: germline. Not counted in ClinVar's aggregate classification.